The following is an entry in ClinVar:

NC_000013.10:g.(?_48954189)_(48954377_?)del

Gene: RB1 (RB transcriptional corepressor 1; plus strand). Cytogenetic location: 13q14.2.
Variant type: Deletion.
Identifiers: ClinVar variation 2422877 (VCV002422877.4).

ClinVar aggregate classification (germline): Pathogenic (1 of 4 stars; one submission).

Conditions:
Retinoblastoma (RB1). Also called: RETINOBLASTOMA, SOMATIC. Identifiers: Orphanet 790, MedGen C0035335, MeSH D012175, MONDO:0008380, OMIM 180200, HP:0009919. Disease mechanism: loss of function. Inheritance: Both sporadic and heritable forms are tested..

Submission:

Labcorp Genetics (formerly Invitae), Labcorp
Classification: Pathogenic for Retinoblastoma. Last evaluated: 2022-02-17. Review status: criteria provided, single submitter. Criteria: Invitae Variant Classification Sherloc (09022015). Collection method: clinical testing. Allele origin: germline.
Comment: A similar copy number variant has been observed in individual(s) with retinoblastoma (PMID: 10673998). For these reasons, this variant has been classified as Pathogenic. This variant is a gross deletion of the genomic region encompassing exon(s) 15-16 of the RB1 gene. This deletion is out-of-frame, and is expected to create a premature termination codon and result in an absent or disrupted protein product. Loss-of-function variants in RB1 are known to be pathogenic (PMID: 17096365).

Literature cited by the submitters: PubMed 10673998; PubMed 17096365.